The following is an entry in ClinVar:

NM_000059.4(BRCA2):c.9434T>G (p.Val3145Gly)

Gene: BRCA2 (BRCA2 DNA repair associated; plus strand). Cytogenetic location: 13q13.1.
Variant type: single nucleotide variant.
Coding change: c.9434T>G on transcript NM_000059.4 (MANE Select); coding-DNA position 9434, T replaced by G.
Protein change: p.Val3145Gly; replaces valine 3145 with glycine.
Molecular consequence: missense variant. On other transcripts: non-coding transcript variant (1).
Genome position (GRCh38, 1-based): chr13:32,394,866, T>G. VCF-style: chr13-32394866-T-G. GRCh37 (hg19) VCF-style: chr13-32969003-T-G.
Other names: c.9338T>G, p.Val3113Gly (NM_001406719.1); c.9383T>G, p.Val3128Gly (NM_001406720.1); c.4502T>G, p.Val1501Gly (NM_001406721.1); c.3017T>G, p.Val1006Gly (NM_001406722.1); c.9434T>G, p.Val3145Gly (NM_001432077.1); short protein forms V1501G, V3113G, V3128G, V3145G, V1006G.
Identifiers: ClinVar variation 4215796 (VCV004215796.1).

ClinVar aggregate classification (germline): Uncertain significance (1 of 4 stars; one submission).

Conditions:
Hereditary cancer-predisposing syndrome. Also called: Hereditary Cancer Syndrome; Hereditary neoplastic syndrome; Neoplastic Syndromes, Hereditary; Tumor predisposition. Identifiers: Orphanet 140162, MedGen C0027672, MeSH D009386, MONDO:0015356.

Submission:

Ambry Genetics
Classification: Uncertain significance for Hereditary cancer-predisposing syndrome. Last evaluated: 2025-06-24. Review status: criteria provided, single submitter. Criteria: Ambry Variant Classification Scheme 2023. Collection method: clinical testing. Allele origin: germline.
Comment: The p.V3145G variant (also known as c.9434T>G), located in coding exon 24 of the BRCA2 gene, results from a T to G substitution at nucleotide position 9434. The valine at codon 3145 is replaced by glycine, an amino acid with dissimilar properties. This amino acid position is conserved. In addition, the in silico prediction for this alteration is inconclusive. Based on the available evidence, the clinical significance of this variant remains unclear.